The following is an entry in ClinVar:

NM_153704.6(TMEM67):c.1247T>A (p.Leu416Ter)

Gene: TMEM67 (transmembrane protein 67; plus strand). Cytogenetic location: 8q22.1.
Variant type: single nucleotide variant.
Coding change: c.1247T>A on transcript NM_153704.6 (MANE Select); coding-DNA position 1247, T replaced by A.
Protein change: p.Leu416Ter; replaces leucine 416 with a stop codon.
Molecular consequence: nonsense. On other transcripts: non-coding transcript variant (1).
Genome position (GRCh38, 1-based): chr8:93,785,337, T>A. VCF-style: chr8-93785337-T-A. GRCh37 (hg19) VCF-style: chr8-94797565-T-A.
Other names: c.1004T>A, p.Leu335Ter (NM_001142301.1); short protein forms L335*, L416*.
Identifiers: ClinVar variation 2941380 (VCV002941380.3), dbSNP rs2536860629, ClinGen allele CA371689443.
Genomic context (GRCh38, chr8:93,785,337, plus strand): 5'-ATGTGTACCTTGAATATACTGATGAAAATCAACATCAATATATTTTGGCTGTGCCTGTGT[T>A]AAACCTAAATCTTCAACATAATAAGATATTTGTGAACCAAGGTAAGACATCCATACATAC-3'

ClinVar aggregate classification (germline): Pathogenic (1 of 4 stars; one submission).

Conditions:
Joubert syndrome. Also called: CEREBELLOPARENCHYMAL DISORDER IV; JOUBERT-BOLTSHAUSER SYNDROME; Familial aplasia of the vermis. Identifiers: Orphanet 475, MedGen C5979921, MONDO:0018772.
Meckel-Gruber syndrome. Also called: DYSENCEPHALIA SPLANCHNOCYSTICA; GRUBER SYNDROME; Dysencephalia splachnocystica. Identifiers: Orphanet 564, MedGen C0265215, MONDO:0018921.

Submission:

Labcorp Genetics (formerly Invitae), Labcorp
Classification: Pathogenic for Joubert syndrome; Meckel-Gruber syndrome. Last evaluated: 2022-11-07. Review status: criteria provided, single submitter. Criteria: Invitae Variant Classification Sherloc (09022015). Collection method: clinical testing. Allele origin: germline.
Comment: For these reasons, this variant has been classified as Pathogenic. This premature translational stop signal has been observed in individual(s) with Meckel-Gruber syndrome (PMID: 32058062). This variant is not present in population databases (gnomAD no frequency). This sequence change creates a premature translational stop signal (p.Leu416*) in the TMEM67 gene. It is expected to result in an absent or disrupted protein product. Loss-of-function variants in TMEM67 are known to be pathogenic (PMID: 20232449, 23559409).

Literature cited by the submitters: PubMed 32058062; PubMed 20232449; PubMed 23559409.